The following is an entry in ClinVar:

NM_000789.4(ACE):c.1580A>G (p.Tyr527Cys)

Gene: ACE (angiotensin I converting enzyme; plus strand). Cytogenetic location: 17q23.3.
Variant type: single nucleotide variant.
Coding change: c.1580A>G on transcript NM_000789.4 (MANE Select); coding-DNA position 1580, A replaced by G.
Protein change: p.Tyr527Cys; replaces tyrosine 527 with cysteine.
Molecular consequence: missense variant.
Genome position (GRCh38, 1-based): chr17:63,483,552, A>G. VCF-style: chr17-63483552-A-G. GRCh37 (hg19) VCF-style: chr17-61560913-A-G.
Other names: c.1013A>G, p.Tyr338Cys (NM_001382700.1); c.728A>G, p.Tyr243Cys (NM_001382701.1); short protein forms Y338C, Y527C, Y243C.
Identifiers: ClinVar variation 2072816 (VCV002072816.5), dbSNP rs376323371, ClinGen allele CA8699603.

ClinVar aggregate classification (germline): Uncertain significance. Review status: criteria provided, multiple submitters, no conflicts (2 of 4 stars). 2 submissions from 2 submitters: Uncertain significance (2). Last evaluated 2024-03-19.

Conditions:
Microvascular complications of diabetes, susceptibility to, 3. Identifiers: MedGen C2675470, MONDO:0012963, OMIM 612624.
Hemorrhage, intracerebral, susceptibility to (ICH). Also called: Stroke, hemorrhagic, susceptibility to. Identifiers: MedGen C3281105, MONDO:0100533, OMIM 614519.
Renal tubular dysgenesis of genetic origin. Also called: PRIMITIVE RENAL TUBULE SYNDROME. Identifiers: Orphanet 97369, MedGen C5681536, MONDO:0009970, OMIM 267430.

Allele frequency attached by ClinVar (database versions not stated): gnomAD exomes 0.00001; ExAC 0.00002; ESP Exome Variant Server 0.00008; gnomAD 0.00008.
gnomAD v4.1: 28 of 1,613,680 alleles (0.0017%); highest among the groups gnomAD compares: African/African-American, 0.032%; no homozygotes.

Submissions (2):

Fulgent Genetics
Classification: Uncertain significance for Renal tubular dysgenesis of genetic origin; Microvascular complications of diabetes, susceptibility to, 3; Hemorrhage, intracerebral, susceptibility to. Last evaluated: 2024-03-19. Review status: criteria provided, single submitter. Criteria: ACMG Guidelines, 2015. Collection method: clinical testing. Allele origin: germline.

Labcorp Genetics (formerly Invitae), Labcorp
Classification: Uncertain significance. Last evaluated: 2022-12-06. Review status: criteria provided, single submitter. Criteria: Invitae Variant Classification Sherloc (09022015). Collection method: clinical testing. Allele origin: germline.
Comment: In summary, the available evidence is currently insufficient to determine the role of this variant in disease. Therefore, it has been classified as a Variant of Uncertain Significance. Algorithms developed to predict the effect of missense changes on protein structure and function (SIFT, PolyPhen-2, Align-GVGD) all suggest that this variant is likely to be disruptive. This variant has not been reported in the literature in individuals affected with ACE-related conditions. This variant is present in population databases (rs376323371, gnomAD 0.04%). This sequence change replaces tyrosine, which is neutral and polar, with cysteine, which is neutral and slightly polar, at codon 527 of the ACE protein (p.Tyr527Cys).